The following is an entry in ClinVar:

ClinVar aggregate classification (germline): Uncertain significance. Review status: criteria provided, multiple submitters, no conflicts (2 of 4 stars). 3 submissions from 3 submitters: Uncertain significance (3). Last evaluated 2025-08-20.

Conditions:
Bartter disease type 1. Also called: Bartter Syndrome type 1; HYPERPROSTAGLANDIN E SYNDROME 1; HYPOKALEMIC ALKALOSIS WITH HYPERCALCIURIA 1, ANTENATAL; Bartter syndrome, type 1, antenatal. Identifiers: Orphanet 112, Orphanet 620217, MedGen C1866495, MONDO:0100344, OMIM 601678, MONDO:0011127.
Inborn genetic diseases. Identifiers: MedGen C0950123, MeSH D030342.

Allele frequency attached by ClinVar (database versions not stated): gnomAD exomes 0.00002; ExAC 0.00005; gnomAD 0.00019 and 0.00020; TOPMed 0.00038; 1000 Genomes Project 0.00080; 1000 Genomes Project 30x 0.00109.
gnomAD v4.1: 63 of 1,610,812 alleles (0.0039%); highest among the groups gnomAD compares: Admixed American, 0.081%; no homozygotes.

Submissions (3):

Ambry Genetics
Classification: Uncertain significance for Inborn genetic diseases. Last evaluated: 2025-08-20. Review status: criteria provided, single submitter. Criteria: Ambry Variant Classification Scheme 2023. Collection method: clinical testing. Allele origin: germline.

Fulgent Genetics
Classification: Uncertain significance for Bartter disease type 1. Last evaluated: 2024-06-18. Review status: criteria provided, single submitter. Criteria: ACMG Guidelines, 2015. Collection method: clinical testing. Allele origin: germline.

Labcorp Genetics (formerly Invitae), Labcorp
Classification: Uncertain significance. Last evaluated: 2022-04-25. Review status: criteria provided, single submitter. Criteria: Invitae Variant Classification Sherloc (09022015). Collection method: clinical testing. Allele origin: germline.
Comment: This sequence change replaces serine, which is neutral and polar, with leucine, which is neutral and non-polar, at codon 885 of the SLC12A1 protein (p.Ser885Leu). This variant is present in population databases (rs180847164, gnomAD 0.02%). This variant has not been reported in the literature in individuals affected with SLC12A1-related conditions. Algorithms developed to predict the effect of missense changes on protein structure and function (SIFT, PolyPhen-2, Align-GVGD) all suggest that this variant is likely to be tolerated. In summary, the available evidence is currently insufficient to determine the role of this variant in disease. Therefore, it has been classified as a Variant of Uncertain Significance.

NM_000338.3(SLC12A1):c.2654C>T (p.Ser885Leu)

Gene: SLC12A1 (solute carrier family 12 member 1; plus strand). Cytogenetic location: 15q21.1.
Variant type: single nucleotide variant.
Coding change: c.2654C>T on transcript NM_000338.3 (MANE Select); coding-DNA position 2654, C replaced by T.
Protein change: p.Ser885Leu; replaces serine 885 with leucine.
Molecular consequence: missense variant.
Genome position (GRCh38, 1-based): chr15:48,288,067, C>T. VCF-style: chr15-48288067-C-T. GRCh37 (hg19) VCF-style: chr15-48580264-C-T.
Other names: c.2654C>T, p.Ser885Leu (NM_001184832.2, NM_001384136.1); c.2654C>T (NM_000338.2); short protein forms S885L.
Identifiers: ClinVar variation 1440185 (VCV001440185.6), dbSNP rs180847164, ClinGen allele CA7547483.